The following is an entry in ClinVar:

ClinVar aggregate classification (germline): Likely pathogenic (1 of 4 stars; one submission).

Submission:

Quest Diagnostics Nichols Institute San Juan Capistrano
Classification: Likely pathogenic. Last evaluated: 2021-09-09. Review status: criteria provided, single submitter. Criteria: ACMG/ClinGen CNV Guidelines, 2019. Collection method: clinical testing. Allele origin: unknown.
Comment: The copy number loss of 19p13.2 includes multiple exons (NM_001127221.2) of the 5' portion of CACNA1A (OMIM 601011). Haploinsufficiency of CACNA1A is associated with autosomal dominant episodic ataxia (OMIM 108500), a neurologic condition characterized by spells of incoordination and imbalance, often associated with progressive ataxia. Intragenic/exonic deletions have been reported in numerous individuals and families with episodic ataxia 2 (Damaj 2015, Wan 2011, Labrum 2009). Additionally, there is a larger copy number loss of this region (esv34036) in the general populations of the Database of Genomic Variants. Thus, based on size, literature review and gene content, this copy number gain is interpreted as likely pathogenic. References: Damaj et al., Eur J Hum Genet. 2015 Nov;23(11):1505-12. PMID: 25735478 Labrum et al., J Med Genet. 2009 Nov;46(11):786-91. PMID: 19586927 Wan et al., Front Neurol. 2011 Sep 9;2:51. PMID: 21927611

GRCh37/hg19 19p13.2(chr19:13427805-13682946)x1

Gene: CACNA1A (calcium voltage-gated channel subunit alpha1 A; minus strand). Cytogenetic location: 19p13.2.
Variant type: copy number loss.
Change: copy number 1 (one copy instead of two) of chr19:13,427,805-13,682,946 (255.1 kb, GRCh37 coordinates, 1-based), cytogenetic band 19p13.2.
Identifiers: ClinVar variation 1807762 (VCV001807762.1).